The following is an entry in ClinVar:

NM_206937.2(LIG4):c.678del (p.Arg226fs)

Gene: LIG4 (DNA ligase 4; minus strand). Cytogenetic location: 13q33.3.
Variant type: Deletion.
Coding change: c.678del on transcript NM_206937.2 (MANE Select); coding-DNA position 678, one base deleted (G; older notation c.678delG).
Protein change: p.Arg226fs; shifts the reading frame from arginine 226.
Molecular consequence: frameshift variant.
Genome position (GRCh38, 1-based): chr13:108,210,591, C deleted on the plus strand (G on the coding strand, the reverse complement: LIG4 is on the minus strand); the first of 2 consecutive C bases (chr13:108,210,591-108,210,592); deleting either gives the same sequence. VCF-style (leftmost placement, unchanged base first): chr13-108210590-GC-G. GRCh37 (hg19) VCF-style: chr13-108862938-GC-G.
Other names: c.678del, p.Arg226fs (NM_001098268.2, NM_001352598.2, NM_001352599.2 and 6 more transcripts); c.477del, p.Arg159fs (NM_001330595.2); c.714del, p.Arg238fs (NM_001352604.2); short protein forms R159fs, R238fs, R226fs.
Identifiers: ClinVar variation 2768964 (VCV002768964.3), dbSNP rs2501618509, ClinGen allele CA2575452317.
Genomic context (GRCh38, chr13:108,210,590, plus strand): 5'-TAAATGCAGAAAATAAAGTGATAGAAATATCACTGAGTCCTACAGAAGGATCATGCAGTT[GC>G]CTACAGACTTTTTCCAGATCTGTAGTGACATTATGCAACTCAGCAGCATCATTATGAAAA-3'

ClinVar aggregate classification (germline): Pathogenic (1 of 4 stars; one submission).

Conditions:
DNA ligase IV deficiency. Identifiers: Orphanet 99812, MedGen C1847827, MONDO:0011686, OMIM 606593.

Submission:

Labcorp Genetics (formerly Invitae), Labcorp
Classification: Pathogenic for DNA ligase IV deficiency. Last evaluated: 2023-10-16. Review status: criteria provided, single submitter. Criteria: Invitae Variant Classification Sherloc (09022015). Collection method: clinical testing. Allele origin: germline.
Comment: This sequence change creates a premature translational stop signal (p.Arg226Serfs*8) in the LIG4 gene. While this is not anticipated to result in nonsense mediated decay, it is expected to disrupt the last 686 amino acid(s) of the LIG4 protein. This variant is not present in population databases (gnomAD no frequency). This variant has not been reported in the literature in individuals affected with LIG4-related conditions. This variant disrupts a region of the LIG4 protein in which other variant(s) (p.Gln904*) have been determined to be pathogenic (PMID: 34630384). This suggests that this is a clinically significant region of the protein, and that variants that disrupt it are likely to be disease-causing. For these reasons, this variant has been classified as Pathogenic.

Literature cited by the submitters: PubMed 34630384.